The following is an entry in ClinVar:

ClinVar aggregate classification (germline): Uncertain significance (1 of 4 stars; one submission).

Conditions:
PLXNB3-related disorder. Also called: PLXNB3-related condition.

Submission:

PreventionGenetics, part of Exact Sciences
Classification: Uncertain significance for PLXNB3-related condition. Last evaluated: 2025-06-04. Review status: criteria provided, single submitter. Criteria: ACMG Guidelines, 2015. Collection method: clinical testing. Allele origin: germline.
Comment: The PLXNB3 c.1634_1670del37 variant is predicted to result in a frameshift and premature protein termination (p.Asp545Alafs*71). To our knowledge, this variant has not been reported in the literature or in a large population database (gnomAD), indicating this variant is rare. At this time, the clinical significance of this variant is uncertain due to the absence of conclusive functional and genetic evidence.

NM_005393.3(PLXNB3):c.1565_1601del (p.Asp522fs)

Gene: PLXNB3 (plexin B3; plus strand). Cytogenetic location: Xq28.
Variant type: Deletion.
Coding change: c.1565_1601del on transcript NM_005393.3 (MANE Select); coding-DNA positions 1565 to 1601, 37 bases deleted.
Protein change: p.Asp522fs; shifts the reading frame from aspartic acid 522.
Molecular consequence: frameshift variant.
Genome position (GRCh38, 1-based): chrX:153,769,875-153,769,911, 37 bases deleted; deleting any 37 consecutive bases within chrX:153,769,873-153,769,911 gives the same sequence; the c. name uses the placement nearest the transcript's 3' end. GRCh37 (hg19): chrX:153,035,330-153,035,366.
Other names: c.1634_1670del, p.Asp545fs (NM_001163257.2); short protein forms D522fs, D545fs.
Identifiers: ClinVar variation 4997770 (VCV004997770.1).